The following is an entry in ClinVar:

NM_001458.5(FLNC):c.1786G>A (p.Ala596Thr)

Gene: FLNC (filamin C; plus strand). Cytogenetic location: 7q32.1.
Variant type: single nucleotide variant.
Coding change: c.1786G>A on transcript NM_001458.5 (MANE Select); coding-DNA position 1786, G replaced by A.
Protein change: p.Ala596Thr; replaces alanine 596 with threonine.
Molecular consequence: missense variant.
Genome position (GRCh38, 1-based): chr7:128,840,943, G>A. VCF-style: chr7-128840943-G-A. GRCh37 (hg19) VCF-style: chr7-128480997-G-A.
Other names: c.1786G>A, p.Ala596Thr (NM_001127487.2); short protein forms A596T.
Identifiers: ClinVar variation 4812646 (VCV004812646.1).
Genomic context (GRCh38, chr7:128,840,943, plus strand): 5'-GCCTGGGGTCCTGGTTTGGAGACTGGCCAGGTGGGCAAGTCAGCCGATTTTGTGGTGGAA[G>A]CCATTGGCACCGAGGTGGGGACACTGGGTAAGTGGCTGGGGGGCAGGAGGAGGGAGTGCT-3'
Protein context (NP_001449.3, residues 586-606): VGKSADFVVE[Ala596Thr]IGTEVGTLGF

ClinVar aggregate classification (germline): Uncertain significance (1 of 4 stars; one submission).

Conditions:
Hypertrophic cardiomyopathy 26. Also called: Cardiomyopathy, familial hypertrophic, 26. Identifiers: Orphanet 75249, MedGen C4310749, MONDO:0014883, OMIM 617047.
Myofibrillar myopathy 5. Also called: Filaminopathy (type); FILAMINOPATHY, AUTOSOMAL DOMINANT. Identifiers: Orphanet 171445, MedGen C1836050, MONDO:0012289, OMIM 609524.
Distal myopathy with posterior leg and anterior hand involvement. Also called: WILLIAMS DISTAL MYOPATHY. Identifiers: Orphanet 63273, MedGen C3279722, MONDO:0013550, OMIM 614065.

Submission:

Labcorp Genetics (formerly Invitae), Labcorp
Classification: Uncertain significance for Distal myopathy with posterior leg and anterior hand involvement; Myofibrillar myopathy 5; Hypertrophic cardiomyopathy 26. Last evaluated: 2025-06-10. Review status: criteria provided, single submitter. Criteria: Invitae Variant Classification Sherloc (09022015). Collection method: clinical testing. Allele origin: germline.
Comment: This sequence change replaces alanine, which is neutral and non-polar, with threonine, which is neutral and polar, at codon 596 of the FLNC protein (p.Ala596Thr). This variant is not present in population databases (gnomAD no frequency). This variant has not been reported in the literature in individuals affected with FLNC-related conditions. Invitae Evidence Modeling of protein sequence and biophysical properties (such as structural, functional, and spatial information, amino acid conservation, physicochemical variation, residue mobility, and thermodynamic stability) has been performed for this missense variant. However, the output from this modeling did not meet the statistical confidence thresholds required to predict the impact of this variant on FLNC protein function. In summary, the available evidence is currently insufficient to determine the role of this variant in disease. Therefore, it has been classified as a Variant of Uncertain Significance.